The following is an entry in ClinVar:

NM_000179.3(MSH6):c.524C>G (p.Ala175Gly)

Gene: MSH6 (mutS homolog 6; plus strand). Cytogenetic location: 2p16.3.
Variant type: single nucleotide variant.
Coding change: c.524C>G on transcript NM_000179.3 (MANE Select); coding-DNA position 524, C replaced by G.
Protein change: p.Ala175Gly; replaces alanine 175 with glycine.
Molecular consequence: missense variant. On other transcripts: intron variant (2), 5 prime UTR variant (1).
Genome position (GRCh38, 1-based): chr2:47,795,960, C>G. VCF-style: chr2-47795960-C-G. GRCh37 (hg19) VCF-style: chr2-48023099-C-G.
Other names: c.-279-2651C>G (NM_001281493.2); c.238-2651C>G (NM_001281492.2); c.-379C>G (NM_001281494.2); short protein forms A175G.
Identifiers: ClinVar variation 410499 (VCV000410499.11), dbSNP rs1060502929, ClinGen allele CA16611103.
Genomic context (GRCh38, chr2:47,795,960, plus strand): 5'-AATCAAAGGAAGCCCAGAAGGGAGGTCATTTTTACAGTGCAAAGCCTGAAATACTGAGAG[C>G]AATGCAACGTGCAGATGAAGCCTTAAATAAAGACAAGATTAAGAGGCTTGAATTGGCAGT-3'
Protein context (NP_000170.1, residues 165-185): FYSAKPEILR[Ala175Gly]MQRADEALNK

ClinVar aggregate classification (germline): Uncertain significance. Review status: criteria provided, multiple submitters, no conflicts (2 of 4 stars). 2 submissions from 2 submitters: Uncertain significance (2). Last evaluated 2026-01-06.

Conditions:
Hereditary nonpolyposis colorectal neoplasms. Identifiers: MedGen C0009405, MeSH D003123.
Hereditary cancer-predisposing syndrome. Also called: Neoplastic Syndromes, Hereditary; Tumor predisposition; Hereditary neoplastic syndrome; Hereditary Cancer Syndrome. Identifiers: Orphanet 140162, MedGen C0027672, MeSH D009386, MONDO:0015356.

Submissions (2):

Ambry Genetics
Classification: Uncertain significance for Hereditary cancer-predisposing syndrome. Last evaluated: 2026-01-06. Review status: criteria provided, single submitter. Criteria: Ambry Variant Classification Scheme 2023. Collection method: clinical testing. Allele origin: germline.
Comment: The p.A175G variant (also known as c.524C>G), located in coding exon 3 of the MSH6 gene, results from a C to G substitution at nucleotide position 524. The alanine at codon 175 is replaced by glycine, an amino acid with similar properties. This amino acid position is highly conserved in available vertebrate species. In addition, the in silico prediction for this alteration is inconclusive. Based on the available evidence, the clinical significance of this variant remains unclear.

Labcorp Genetics (formerly Invitae), Labcorp
Classification: Uncertain significance for Hereditary nonpolyposis colorectal neoplasms. Last evaluated: 2024-02-27. Review status: criteria provided, single submitter. Criteria: Invitae Variant Classification Sherloc (09022015). Collection method: clinical testing. Allele origin: germline.
Comment: This sequence change replaces alanine, which is neutral and non-polar, with glycine, which is neutral and non-polar, at codon 175 of the MSH6 protein (p.Ala175Gly). This variant is not present in population databases (gnomAD no frequency). This variant has not been reported in the literature in individuals affected with MSH6-related conditions. ClinVar contains an entry for this variant (Variation ID: 410499). Advanced modeling of protein sequence and biophysical properties (such as structural, functional, and spatial information, amino acid conservation, physicochemical variation, residue mobility, and thermodynamic stability) performed at Invitae indicates that this missense variant is not expected to disrupt MSH6 protein function with a negative predictive value of 95%. In summary, the available evidence is currently insufficient to determine the role of this variant in disease. Therefore, it has been classified as a Variant of Uncertain Significance.